The following is an entry in ClinVar:

NM_003098.3(SNTA1):c.1087G>A (p.Glu363Lys)

Gene: SNTA1 (syntrophin alpha 1; minus strand). Cytogenetic location: 20q11.21.
Variant type: single nucleotide variant.
Coding change: c.1087G>A on transcript NM_003098.3 (MANE Select); coding-DNA position 1087, G replaced by A.
Protein change: p.Glu363Lys; replaces glutamic acid 363 with lysine.
Molecular consequence: missense variant.
Genome position (GRCh38, 1-based): chr20:33,410,285, C>T on the plus strand (G>A on the coding strand, the complement: SNTA1 is on the minus strand). VCF-style: chr20-33410285-C-T. GRCh37 (hg19) VCF-style: chr20-31998091-C-T.
Other names: short protein forms E363K.
Identifiers: ClinVar variation 1484124 (VCV001484124.8), dbSNP rs749476668, ClinGen allele CA408630778.

ClinVar aggregate classification (germline): Uncertain significance (1 of 4 stars; one submission).

Conditions:
Long QT syndrome (LQTS). Identifiers: MedGen C0023976, MeSH D008133, MONDO:0002442. Disease mechanism: loss of function. Inheritance: Various modes of inheritance.

Submission:

Labcorp Genetics (formerly Invitae), Labcorp
Classification: Uncertain significance for Long QT syndrome. Last evaluated: 2021-04-19. Review status: criteria provided, single submitter. Criteria: Invitae Variant Classification Sherloc (09022015). Collection method: clinical testing. Allele origin: germline.
Comment: In summary, the available evidence is currently insufficient to determine the role of this variant in disease. Therefore, it has been classified as a Variant of Uncertain Significance. Algorithms developed to predict the effect of missense changes on protein structure and function are either unavailable or do not agree on the potential impact of this missense change (SIFT: "Tolerated"; PolyPhen-2: "Possibly Damaging"; Align-GVGD: "Class C0"). This variant has not been reported in the literature in individuals with SNTA1-related conditions. This variant is not present in population databases (ExAC no frequency). This sequence change replaces glutamic acid with lysine at codon 363 of the SNTA1 protein (p.Glu363Lys). The glutamic acid residue is moderately conserved and there is a small physicochemical difference between glutamic acid and lysine.